The following is an entry in ClinVar:

ClinVar aggregate classification (germline): Uncertain significance. Review status: criteria provided, multiple submitters, no conflicts (2 of 4 stars). 3 submissions from 3 submitters: Uncertain significance (3). Last evaluated 2025-08-07.

Allele frequency attached by ClinVar (database versions not stated): TOPMed 0.00004.
gnomAD v4.1: 12 of 1,612,844 alleles (0.00074%); highest among the groups gnomAD compares: African/African-American, 0.0093%; no homozygotes.

Submissions (3):

Labcorp Genetics (formerly Invitae), Labcorp
Classification: Uncertain significance. Last evaluated: 2025-08-07. Review status: criteria provided, single submitter. Criteria: Invitae Variant Classification Sherloc (09022015). Collection method: clinical testing. Allele origin: germline.
Comment: This sequence change replaces isoleucine, which is neutral and non-polar, with methionine, which is neutral and non-polar, at codon 9 of the KCNJ13 protein (p.Ile9Met). This variant is present in population databases (rs143726189, gnomAD 0.01%). This variant has not been reported in the literature in individuals affected with KCNJ13-related conditions. ClinVar contains an entry for this variant (Variation ID: 866179). An algorithm developed to predict the effect of missense changes on protein structure and function (PolyPhen-2) suggests that this variant is likely to be tolerated. In summary, the available evidence is currently insufficient to determine the role of this variant in disease. Therefore, it has been classified as a Variant of Uncertain Significance.

Ambry Genetics
Classification: Uncertain significance. Last evaluated: 2021-06-18. Review status: criteria provided, single submitter. Criteria: Ambry Variant Classification Scheme 2023. Collection method: clinical testing. Allele origin: germline.

Blueprint Genetics
Classification: Uncertain significance. Last evaluated: 2018-09-04. Review status: criteria provided, single submitter. Criteria: ACMG Guidelines, 2015. Collection method: clinical testing. Allele origin: germline.

NM_002242.4(KCNJ13):c.27T>G (p.Ile9Met)

Genes: GIGYF2 (GRB10 interacting GYF protein 2; plus strand), KCNJ13 (potassium inwardly rectifying channel subfamily J member 13; minus strand). Cytogenetic location: 2q37.1.
Variant type: single nucleotide variant.
Coding change: c.27T>G on transcript NM_002242.4 (MANE Select); coding-DNA position 27, T replaced by G.
Protein change: p.Ile9Met; replaces isoleucine 9 with methionine.
Molecular consequence: missense variant. On other transcripts: intron variant (5).
Genome position (GRCh38, 1-based): chr2:232,771,336, A>C on the plus strand (T>G on the coding strand, the complement: KCNJ13 is on the minus strand). VCF-style: chr2-232771336-A-C. GRCh37 (hg19) VCF-style: chr2-233636046-A-C.
Other names: c.27T>G, p.Ile9Met (NM_001172416.1); c.532+9900A>C (NM_001103146.3, NM_015575.4, NM_001103148.2); c.533-5076A>C (NM_001103147.2); c.-23-191T>G (NM_001172417.1); short protein forms I9M.
Identifiers: ClinVar variation 866179 (VCV000866179.11), dbSNP rs143726189, ClinGen allele CA2170093.
Genomic context (GRCh38, chr2:232,771,336, plus strand): 5'-AAGTGTGCTGTGGCCATCCTTGGTGACCATCCTCCGGTATCTTTGACTTAGGAGAGGAGC[A>C]ATAACTTTGCAATTACTGCTGTCCATCTCAGGCTGTATTTCTCTAAAATCAAGAGTAAAT-3'
Protein context (NP_002233.2, residues 1-19): MDSSNCKV[Ile9Met]APLLSQRYRR